The following is an entry in ClinVar:

ClinVar aggregate classification (germline): Uncertain significance (1 of 4 stars; one submission).

Conditions:
Predisposition to invasive fungal disease due to CARD9 deficiency (IMD103). Also called: CARD9 IMMUNODEFICIENCY; Candidiasis, familial, 2, autosomal recessive; IMMUNODEFICIENCY 103, SUSCEPTIBILITY TO FUNGAL INFECTIONS. Identifiers: Orphanet 457088, MedGen C1859353, MONDO:0008905, OMIM 212050.

Allele frequency attached by ClinVar (database versions not stated): TOPMed 0.00001; ExAC 0.00005.
gnomAD v4.1: 43 of 1,612,630 alleles (0.0027%); highest among the groups gnomAD compares: South Asian, 0.013%; 1 homozygote.

Submission:

Labcorp Genetics (formerly Invitae), Labcorp
Classification: Uncertain significance for Predisposition to invasive fungal disease due to CARD9 deficiency. Last evaluated: 2022-11-01. Review status: criteria provided, single submitter. Criteria: Invitae Variant Classification Sherloc (09022015). Collection method: clinical testing. Allele origin: germline.
Comment: This sequence change replaces alanine, which is neutral and non-polar, with valine, which is neutral and non-polar, at codon 135 of the CARD9 protein (p.Ala135Val). This variant is present in population databases (rs756177404, gnomAD 0.01%). This variant has not been reported in the literature in individuals affected with CARD9-related conditions. Advanced modeling of protein sequence and biophysical properties (such as structural, functional, and spatial information, amino acid conservation, physicochemical variation, residue mobility, and thermodynamic stability) performed at Invitae indicates that this missense variant is not expected to disrupt CARD9 protein function. In summary, the available evidence is currently insufficient to determine the role of this variant in disease. Therefore, it has been classified as a Variant of Uncertain Significance.

NM_052813.5(CARD9):c.404C>T (p.Ala135Val)

Gene: CARD9 (caspase recruitment domain family member 9; minus strand). Cytogenetic location: 9q34.3.
Variant type: single nucleotide variant.
Coding change: c.404C>T on transcript NM_052813.5 (MANE Select); coding-DNA position 404, C replaced by T.
Protein change: p.Ala135Val; replaces alanine 135 with valine.
Molecular consequence: missense variant.
Genome position (GRCh38, 1-based): chr9:136,371,064, G>A on the plus strand (C>T on the coding strand, the complement: CARD9 is on the minus strand). VCF-style: chr9-136371064-G-A. GRCh37 (hg19) VCF-style: chr9-139265516-G-A.
Other names: c.404C>T, p.Ala135Val (NM_052814.4); short protein forms A135V.
Identifiers: ClinVar variation 1896155 (VCV001896155.2), dbSNP rs756177404, ClinGen allele CA5333139.